The following is an entry in ClinVar:

ClinVar aggregate classification (germline): Uncertain significance (1 of 4 stars; one submission).

Submission:

Women's Health and Genetics/Laboratory Corporation of America, LabCorp
Classification: Uncertain significance. Last evaluated: 2024-12-06. Review status: criteria provided, single submitter. Criteria: LabCorp Variant Classification Summary - May 2015. Collection method: clinical testing. Allele origin: germline.
Comment: Variant summary: CDH23 c.334G>A (p.Gly112Arg) results in a non-conservative amino acid change in the encoded protein sequence. Four of five in-silico tools predict a damaging effect of the variant on protein function. Several computational tools predict a significant impact on normal splicing: Two predict the variant weakens a 5' donor site. However, these predictions have yet to be confirmed by functional studies. The variant was absent in 249268 control chromosomes (gnomAD). c.334G>A has been reported in the literature in two siblings affected with Usher Syndrome (example: Liu_2020). These data indicate that the variant may be associated with disease. To our knowledge, no experimental evidence demonstrating an impact on protein function has been reported. The following publication have been ascertained in the context of this evaluation (PMID: 32645618). No submitters have cited clinical-significance assessments for this variant to ClinVar. Based on the evidence outlined above, the variant was classified as VUS-possibly pathogenic.

Literature cited by the submitters: PubMed 32645618.

NM_022124.6(CDH23):c.334G>A (p.Gly112Arg)

Genes: CDH23 (cadherin related 23; plus strand), CDH23-AS1 (CDH23 antisense RNA 1; minus strand). Cytogenetic location: 10q22.1.
Variant type: single nucleotide variant.
Coding change: c.334G>A on transcript NM_022124.6 (MANE Select); coding-DNA position 334, G replaced by A.
Protein change: p.Gly112Arg; replaces glycine 112 with arginine.
Molecular consequence: missense variant.
Genome position (GRCh38, 1-based): chr10:71,510,999, G>A. VCF-style: chr10-71510999-G-A. GRCh37 (hg19) VCF-style: chr10-73270756-G-A.
Other names: c.334G>A, p.Gly112Arg (NM_001171930.2, NM_001171931.2, NM_001171932.2 and 1 more transcripts); short protein forms G112R.
Identifiers: ClinVar variation 3768215 (VCV003768215.1).
Genomic context (GRCh38, chr10:71,510,999, plus strand): 5'-TCACTTTTCTTTCAGACCAAGTCAGAGTTCACCGTGGAGTTCTCTGTCAGCGACCACCAG[G>A]GGGTGAGTGTTCCCTGGGGCCCTGGAGGCATGTTCCTGGGGTCACAGGATTTCTGGACCC-3'
Protein context (NP_071407.4, residues 102-122): TVEFSVSDHQ[Gly112Arg]VITRKVNIQV